The following is an entry in ClinVar:

ClinVar aggregate classification (germline): Uncertain significance (1 of 4 stars; one submission).

Submission:

GeneDx
Classification: Uncertain significance. Last evaluated: 2025-03-12. Review status: criteria provided, single submitter. Criteria: GeneDx Variant Classification Process June 2021. Collection method: clinical testing. Allele origin: germline. Affected: yes.
Comment: Not observed at significant frequency in large population cohorts (gnomAD); Frameshift variant predicted to result in protein truncation or nonsense mediated decay in a gene or region of a gene for which loss of function is not a well-established mechanism of disease; Has not been previously published as pathogenic or benign to our knowledge

NM_001039591.3(USP9X):c.7431+2dup

Gene: USP9X (ubiquitin specific peptidase 9 X-linked; plus strand). Cytogenetic location: Xp11.4.
Variant type: Duplication.
Coding change: c.7431+2dup on transcript NM_001039591.3 (MANE Select); the canonical splice donor site of the intron after coding-DNA position 7431, one base duplicated (T; older notation c.7431+2dupT).
Molecular consequence: splice donor variant. On other transcripts: frameshift variant (2).
Genome position (GRCh38, 1-based): chrX:41,229,781, T duplicated. VCF-style (leftmost placement, unchanged base first): chrX-41229780-G-GT. GRCh37 (hg19) VCF-style: chrX-41089033-G-GT.
Other names: c.7433dup, p.Ala2481fs (NM_001039590.3); c.7448dup, p.Ala2486fs (NM_001410748.1); c.7446+2dup (NM_001410749.1, NM_001437534.1); short protein forms A2481fs, A2486fs.
Identifiers: ClinVar variation 4083227 (VCV004083227.1).